The following is an entry in ClinVar:

NM_021098.3(CACNA1H):c.2842G>A (p.Gly948Arg)

Gene: CACNA1H (calcium voltage-gated channel subunit alpha1 H; plus strand). Cytogenetic location: 16p13.3.
Variant type: single nucleotide variant.
Coding change: c.2842G>A on transcript NM_021098.3 (MANE Select); coding-DNA position 2842, G replaced by A.
Protein change: p.Gly948Arg; replaces glycine 948 with arginine.
Molecular consequence: missense variant.
Genome position (GRCh38, 1-based): chr16:1,207,053, G>A. VCF-style: chr16-1207053-G-A. GRCh37 (hg19) VCF-style: chr16-1257053-G-A.
Other names: c.2842G>A, p.Gly948Arg (NM_001005407.2); short protein forms G948R.
Identifiers: ClinVar variation 529603 (VCV000529603.11), dbSNP rs763407611, ClinGen allele CA7800458.

ClinVar aggregate classification (germline): Uncertain significance. Review status: criteria provided, multiple submitters, no conflicts (2 of 4 stars). 3 submissions from 3 submitters: Uncertain significance (3). Last evaluated 2025-06-12.

Conditions:
CACNA1H-related disorder.
Hyperaldosteronism, familial, type IV (HALD4). Also called: FH IV; ALDOSTERONISM, PRIMARY, AND HYPERTENSION. Identifiers: Orphanet 642671, MedGen C4310756, MONDO:0014875, OMIM 617027.
Epilepsy, childhood absence, susceptibility to, 6. Identifiers: Orphanet 64280, MedGen C2749872, MONDO:0012763, OMIM 611942.
Idiopathic generalized epilepsy. Also called: Generalised epilepsy; EIG. Identifiers: MedGen C0270850, MONDO:0005579, OMIM 600669.

Allele frequency attached by ClinVar (database versions not stated): gnomAD 0.00005; gnomAD exomes 0.00005; TOPMed 0.00005; ExAC 0.00009.

Submissions (3):

Labcorp Genetics (formerly Invitae), Labcorp
Classification: Uncertain significance for Idiopathic generalized epilepsy; Hyperaldosteronism, familial, type IV. Last evaluated: 2025-06-12. Review status: criteria provided, single submitter. Criteria: Invitae Variant Classification Sherloc (09022015). Collection method: clinical testing. Allele origin: germline.
Comment: This sequence change replaces glycine, which is neutral and non-polar, with arginine, which is basic and polar, at codon 948 of the CACNA1H protein (p.Gly948Arg). The frequency data for this variant in the population databases is considered unreliable, as metrics indicate poor data quality at this position in the gnomAD database. This variant has not been reported in the literature in individuals affected with CACNA1H-related conditions. ClinVar contains an entry for this variant (Variation ID: 529603). Invitae Evidence Modeling of protein sequence and biophysical properties (such as structural, functional, and spatial information, amino acid conservation, physicochemical variation, residue mobility, and thermodynamic stability) indicates that this missense variant is expected to disrupt CACNA1H protein function with a positive predictive value of 80%. In summary, the available evidence is currently insufficient to determine the role of this variant in disease. Therefore, it has been classified as a Variant of Uncertain Significance.

PreventionGenetics, part of Exact Sciences
Classification: Uncertain significance for CACNA1H-related condition. Last evaluated: 2024-10-27. Review status: criteria provided, single submitter. Criteria: ACMG Guidelines, 2015. Collection method: clinical testing. Allele origin: germline.
Comment: The CACNA1H c.2842G>A variant is predicted to result in the amino acid substitution p.Gly948Arg. To our knowledge, this variant has not been reported in the literature. This variant is reported in 0.018% of alleles in individuals of African descent in gnomAD. At this time, the clinical significance of this variant is uncertain due to the absence of conclusive functional and genetic evidence.

Fulgent Genetics
Classification: Uncertain significance for Epilepsy, childhood absence, susceptibility to, 6; Hyperaldosteronism, familial, type IV. Last evaluated: 2024-01-08. Review status: criteria provided, single submitter. Criteria: ACMG Guidelines, 2015. Collection method: clinical testing. Allele origin: germline.